The following is an entry in ClinVar:

ClinVar aggregate classification (germline): Uncertain significance. Review status: reviewed by expert panel (3 of 4 stars). 3 submissions from 3 submitters: Uncertain significance (1). 2 of the submissions do not count toward it. Last evaluated 2024-10-08.

Conditions:
Deficiency of guanidinoacetate methyltransferase (CCDS2). Also called: GAMT DEFICIENCY; Guanidinoacetate Methyltransferase (GAMT) Deficiency; CEREBRAL CREATINE DEFICIENCY SYNDROME 2. Identifiers: Orphanet 382, MedGen C0574080, MONDO:0012999, OMIM 612736.
Cerebral creatine deficiency syndrome. Also called: Creatine deficiency syndromes. Identifiers: Orphanet 79172, MedGen C5244016, MONDO:0000456.

Allele frequency attached by ClinVar (database versions not stated): TOPMed 0.00001; ExAC 0.00001; gnomAD 0.00001.

Submissions (3):

ClinGen Cerebral Creatine Deficiency Syndromes Variant Curation Expert Panel, ClinGen
Classification: Uncertain significance for Deficiency of guanidinoacetate methyltransferase. Last evaluated: 2024-10-08. Review status: reviewed by expert panel. Criteria: ClinGen CCDS ACMG Specifications GAMT V2.0.0. Collection method: curation. Allele origin: germline. Inheritance: Autosomal recessive inheritance.
Comment: The NM_000156.6:c.228A>T (p.Ser76=) variant in GAMT is a synonymous (silent) variant that is not predicted by SpliceAI to impact splicing. In addition, it occurs at a nucleotide that is not conserved as shown by phyloP (score -0.250) (BP4, BP7). To our knowledge, this variant has not been reported among individuals with GAMT deficiency and results of functional studies are unavailable. The highest population minor allele frequency in gnomAD v4.1.0. is 0.0001008 (6/59514 alleles) in the Admixed American population, which is lower than the ClinGen CCDS VCEP’s threshold for PM2_Supporting (<0.0004), meeting this criterion (PM2_Supporting). There is a ClinVar entry for this variant (Variation ID: 1552732). In summary, this variant meets the criteria to be classified as a variant of uncertain significance for GAMT deficiency based on the ACMG/AMP criteria applied, as specified by the ClinGen Cerebral Creatine Deficiency Syndromes Variant Curation Expert Panel (Specifications Version 2.0.0): PM2_Supporting, BP4, BP7. (Classification approved by the ClinGen Cerebral Creatine Deficiency Syndromes Variant Curation Expert Panel on October 8th, 2024).

Labcorp Genetics (formerly Invitae), Labcorp
Classification: Likely benign for Cerebral creatine deficiency syndrome. Last evaluated: 2023-11-06. Review status: criteria provided, single submitter. Criteria: Invitae Variant Classification Sherloc (09022015). Collection method: clinical testing. Allele origin: germline. Not counted in ClinVar's aggregate classification.

AiLife Diagnostics
Classification: Uncertain significance. Last evaluated: 2020-05-05. Review status: criteria provided, single submitter. Criteria: ACMG Guidelines, 2015. Collection method: clinical testing. Allele origin: germline. Affected: yes. Observed: 1 variant allele. Not counted in ClinVar's aggregate classification.

NM_000156.6(GAMT):c.228A>T (p.Ser76=)

Gene: GAMT (guanidinoacetate N-methyltransferase; minus strand). Cytogenetic location: 19p13.3.
Variant type: single nucleotide variant.
Coding change: c.228A>T on transcript NM_000156.6 (MANE Select); coding-DNA position 228, A replaced by T.
Protein change: p.Ser76=; no amino-acid change (serine 76 retained).
Molecular consequence: synonymous variant.
Genome position (GRCh38, 1-based): chr19:1,399,892, T>A on the plus strand (A>T on the coding strand, the complement: GAMT is on the minus strand). VCF-style: chr19-1399892-T-A. GRCh37 (hg19) VCF-style: chr19-1399891-T-A.
Other names: NM_000156.6(GAMT):c.228A>T; p.Ser76=; c.228A>T, p.Ser76= (NM_138924.3).
Identifiers: ClinVar variation 1552732 (VCV001552732.10), dbSNP rs752364729, ClinGen allele CA9043761.